The following is an entry in ClinVar:

NM_015450.3(POT1):c.2del (p.Met1fs)

Gene: POT1 (protection of telomeres 1; minus strand). Cytogenetic location: 7q31.33.
Variant type: Deletion.
Coding change: c.2del on transcript NM_015450.3 (MANE Select); coding-DNA position 2, one base deleted (T; older notation c.2delT).
Protein change: p.Met1fs; shifts the reading frame from methionine 1.
Molecular consequence: frameshift variant, initiator codon variant. On other transcripts: 5 prime UTR variant (1), non-coding transcript variant (3).
Genome position (GRCh38, 1-based): chr7:124,897,172, A deleted on the plus strand (T on the coding strand, the reverse complement: POT1 is on the minus strand). VCF-style (leftmost placement, unchanged base first): chr7-124897171-CA-C. GRCh37 (hg19) VCF-style: chr7-124537225-CA-C.
Other names: c.-261del (NM_001042594.2); short protein forms M1fs.
Identifiers: ClinVar variation 2032852 (VCV002032852.5), dbSNP rs2485575178, ClinGen allele CA2580076427.

ClinVar aggregate classification (germline): Pathogenic (1 of 4 stars; one submission).

Conditions:
Tumor predisposition syndrome 3 (TPDS3). Also called: Melanoma, cutaneous malignant, susceptibility to, 10; Glioma susceptibility 9; LONG TELOMERE SYNDROME, POT1-RELATED; POT1 Tumor Predisposition. Identifiers: Orphanet 618, MedGen C4014476, MONDO:0014368, OMIM 615848.

Submission:

Labcorp Genetics (formerly Invitae), Labcorp
Classification: Pathogenic for Tumor predisposition syndrome 3. Last evaluated: 2022-09-27. Review status: criteria provided, single submitter. Criteria: Invitae Variant Classification Sherloc (09022015). Collection method: clinical testing. Allele origin: germline.
Comment: This variant is not present in population databases (gnomAD no frequency). This variant has not been reported in the literature in individuals affected with POT1-related conditions. This variant disrupts a region of the POT1 protein in which other variant(s) (p.Arg117Cys) have been determined to be pathogenic (PMID: 26403419). This suggests that this is a clinically significant region of the protein, and that variants that disrupt it are likely to be disease-causing. For these reasons, this variant has been classified as Pathogenic. This sequence change affects the initiator methionine of the POT1 mRNA. The next in-frame methionine is located at codon 132.

Literature cited by the submitters: PubMed 26403419.